The following is an entry in ClinVar:

NM_014239.4(EIF2B2):c.922G>T (p.Val308Leu)

Gene: EIF2B2 (eukaryotic translation initiation factor 2B subunit beta; plus strand). Cytogenetic location: 14q24.3.
Variant type: single nucleotide variant.
Coding change: c.922G>T on transcript NM_014239.4 (MANE Select); coding-DNA position 922, G replaced by T.
Protein change: p.Val308Leu; replaces valine 308 with leucine.
Molecular consequence: missense variant.
Genome position (GRCh38, 1-based): chr14:75,009,054, G>T. VCF-style: chr14-75009054-G-T. GRCh37 (hg19) VCF-style: chr14-75475757-G-T.
Other names: short protein forms V308L.
Identifiers: ClinVar variation 1305451 (VCV001305451.2), dbSNP rs372548739, ClinGen allele CA390430099.

ClinVar aggregate classification (germline): Uncertain significance (1 of 4 stars; one submission).

Submission:

GeneDx
Classification: Uncertain significance. Last evaluated: 2019-10-17. Review status: criteria provided, single submitter. Criteria: GeneDx Variant Classification Process June 2021. Collection method: clinical testing. Allele origin: germline. Affected: yes.
Comment: Not observed in large population cohorts (Lek et al., 2016); In silico analysis, which includes protein predictors and evolutionary conservation, supports that this variant does not alter protein structure/function; Has not been previously published as pathogenic or benign to our knowledge